The following is an entry in ClinVar:

NM_021927.3(GUF1):c.527T>G (p.Val176Gly)

Gene: GUF1 (GTP binding elongation factor GUF1; plus strand). Cytogenetic location: 4p12.
Variant type: single nucleotide variant.
Coding change: c.527T>G on transcript NM_021927.3 (MANE Select); coding-DNA position 527, T replaced by G.
Protein change: p.Val176Gly; replaces valine 176 with glycine.
Molecular consequence: missense variant. On other transcripts: 5 prime UTR variant (2).
Genome position (GRCh38, 1-based): chr4:44,682,353, T>G. VCF-style: chr4-44682353-T-G. GRCh37 (hg19) VCF-style: chr4-44684370-T-G.
Other names: c.527T>G (NM_021927.2); c.-442T>G (NM_001345867.2); c.527T>G, p.Val176Gly (NM_001345868.2); c.-446T>G (NM_001345869.2); short protein forms V176G.
Identifiers: ClinVar variation 1964272 (VCV001964272.6), dbSNP rs1275752350, ClinGen allele CA356761478.

ClinVar aggregate classification (germline): Uncertain significance. Review status: criteria provided, multiple submitters, no conflicts (2 of 4 stars). 2 submissions from 2 submitters: Uncertain significance (2). Last evaluated 2026-02-02.

Allele frequency attached by ClinVar (database versions not stated): gnomAD 0.00001; gnomAD exomes 0.00001; TOPMed below 0.00001.
gnomAD v4.1: 11 of 1,541,078 alleles (0.00071%); highest among the groups gnomAD compares: African/African-American, 0.0014%; no homozygotes.

Submissions (2):

Labcorp Genetics (formerly Invitae), Labcorp
Classification: Uncertain significance. Last evaluated: 2026-02-02. Review status: criteria provided, single submitter. Criteria: Invitae Variant Classification Sherloc (09022015). Collection method: clinical testing. Allele origin: germline.
Comment: This sequence change replaces valine, which is neutral and non-polar, with glycine, which is neutral and non-polar, at codon 176 of the GUF1 protein (p.Val176Gly). This variant is not present in population databases (gnomAD no frequency). This variant has not been reported in the literature in individuals affected with GUF1-related conditions. ClinVar contains an entry for this variant (Variation ID: 1964272). Invitae Evidence Modeling of protein sequence and biophysical properties (such as structural, functional, and spatial information, amino acid conservation, physicochemical variation, residue mobility, and thermodynamic stability) indicates that this missense variant is expected to disrupt GUF1 protein function with a positive predictive value of 80%. In summary, the available evidence is currently insufficient to determine the role of this variant in disease. Therefore, it has been classified as a Variant of Uncertain Significance.

Ambry Genetics
Classification: Uncertain significance. Last evaluated: 2025-11-05. Review status: criteria provided, single submitter. Criteria: Ambry Variant Classification Scheme 2023. Collection method: clinical testing. Allele origin: germline.